The following is an entry in ClinVar:

ClinVar aggregate classification (germline): Uncertain significance (1 of 4 stars; one submission).

Conditions:
Telangiectasia, hereditary hemorrhagic, type 2 (HHT2). Also called: Telangiectasia, hereditary hemorrhagic, type II; ACVRL1-Related Hereditary Hemorrhagic Telangiectasia. Identifiers: Orphanet 774, MedGen C1838163, MONDO:0010880, OMIM 600376. Disease mechanism: loss of function.

Allele frequency attached by ClinVar (database versions not stated): ExAC 0.00001; gnomAD 0.00001; gnomAD exomes 0.00001; TOPMed 0.00001.
gnomAD v4.1: 11 of 1,599,234 alleles (0.00069%); highest among the groups gnomAD compares: South Asian, 0.0044%; no homozygotes.

Submission:

Labcorp Genetics (formerly Invitae), Labcorp
Classification: Uncertain significance for Telangiectasia, hereditary hemorrhagic, type 2. Last evaluated: 2021-08-24. Review status: criteria provided, single submitter. Criteria: Invitae Variant Classification Sherloc (09022015). Collection method: clinical testing. Allele origin: germline.
Comment: This sequence change replaces proline with leucine at codon 113 of the ACVRL1 protein (p.Pro113Leu). The proline residue is highly conserved and there is a moderate physicochemical difference between proline and leucine. This variant is present in population databases (rs777206350, ExAC 0.002%). This variant has not been reported in the literature in individuals affected with ACVRL1-related conditions. Algorithms developed to predict the effect of missense changes on protein structure and function are either unavailable or do not agree on the potential impact of this missense change (SIFT: "Deleterious"; PolyPhen-2: "Benign"; Align-GVGD: "Class C65"). In summary, the available evidence is currently insufficient to determine the role of this variant in disease. Therefore, it has been classified as a Variant of Uncertain Significance.

NM_000020.3(ACVRL1):c.338C>T (p.Pro113Leu)

Gene: ACVRL1 (activin A receptor like type 1; plus strand). Cytogenetic location: 12q13.13.
Variant type: single nucleotide variant.
Coding change: c.338C>T on transcript NM_000020.3 (MANE Select); coding-DNA position 338, C replaced by T.
Protein change: p.Pro113Leu; replaces proline 113 with leucine.
Molecular consequence: missense variant.
Genome position (GRCh38, 1-based): chr12:51,913,583, C>T. VCF-style: chr12-51913583-C-T. GRCh37 (hg19) VCF-style: chr12-52307367-C-T.
Other names: c.338C>T, p.Pro113Leu (NM_001077401.2); short protein forms P113L.
Identifiers: ClinVar variation 1063642 (VCV001063642.6), dbSNP rs777206350, ClinGen allele CA6572890.